The following is an entry in ClinVar:

NM_001077.4(UGT2B17):c.865T>C (p.Leu289=)

Gene: UGT2B17 (UDP glucuronosyltransferase family 2 member B17; minus strand). Cytogenetic location: 4q13.2.
Variant type: single nucleotide variant.
Coding change: c.865T>C on transcript NM_001077.4 (MANE Select); coding-DNA position 865, T replaced by C.
Protein change: p.Leu289=; no amino-acid change (leucine 289 retained).
Molecular consequence: synonymous variant.
Genome position (GRCh38, 1-based): chr4:68,565,580, A>G on the plus strand (T>C on the coding strand, the complement: UGT2B17 is on the minus strand). VCF-style: chr4-68565580-A-G. GRCh37 (hg19) VCF-style: chr4-69431298-A-G.
Identifiers: ClinVar variation 709197 (VCV000709197.15), dbSNP rs143800988, ClinGen allele CA2942173.
Genomic context (GRCh38, chr4:68,565,580, plus strand): 5'-GCCATTCCTTCTGAAAATGTCAAGCAAACAAATGAAACAAGAATATGTTCACCTTAGGCA[A>G]GGGTTTGGCTGGTTTACAGTGAAGTCCTCCAACAAAATCAACATTTGGTAAGAATGGGCG-3'
Protein context (NP_001068.1, residues 279-299): GGLHCKPAKP[Leu289=]PKEMEEFVQS

ClinVar aggregate classification (germline): Likely benign. Review status: criteria provided, multiple submitters, no conflicts (2 of 4 stars). 3 submissions from 3 submitters: Likely benign (2). 1 of the submissions does not count toward it. Last evaluated 2025-06-01.

Conditions:
UGT2B17-related disorder. Also called: UGT2B17-related condition.

Allele frequency attached by ClinVar (database versions not stated): 1000 Genomes Project 0.00060; 1000 Genomes Project 30x 0.00062; gnomAD exomes 0.00063 and 0.00076; ExAC 0.00065; ESP Exome Variant Server 0.00066; gnomAD 0.00098 and 0.00099.
gnomAD v4.1: 903 of 1,369,026 alleles (0.066%); highest among the groups gnomAD compares: African/African-American, 0.13%; 220 homozygotes.

Submissions (3):

CeGaT Center for Human Genetics Tuebingen
Classification: Likely benign. Last evaluated: 2025-06-01. Review status: criteria provided, single submitter. Criteria: CeGaT Center For Human Genetics Tuebingen Variant Classification Criteria Version 2. Collection method: clinical testing. Allele origin: germline. Affected: yes. Observed: 1 variant allele.
Comment: UGT2B17: BP4, BP7, BS2

Labcorp Genetics (formerly Invitae), Labcorp
Classification: Likely benign. Last evaluated: 2018-06-29. Review status: criteria provided, single submitter. Criteria: Invitae Variant Classification Sherloc (09022015). Collection method: clinical testing. Allele origin: germline.

PreventionGenetics, part of Exact Sciences
Classification: Likely benign for UGT2B17-related condition. Last evaluated: 2019-10-31. Review status: no assertion criteria provided. Collection method: clinical testing. Allele origin: germline. Not counted in ClinVar's aggregate classification.
Comment: This variant is classified as likely benign based on ACMG/AMP sequence variant interpretation guidelines (Richards et al. 2015 PMID: 25741868, with internal and published modifications).